The following is an entry in ClinVar:

ClinVar aggregate classification (germline): Uncertain significance (1 of 4 stars; one submission).

Submission:

Labcorp Genetics (formerly Invitae), Labcorp
Classification: Uncertain significance. Last evaluated: 2022-06-27. Review status: criteria provided, single submitter. Criteria: Invitae Variant Classification Sherloc (09022015). Collection method: clinical testing. Allele origin: germline.
Comment: This sequence change replaces glycine, which is neutral and non-polar, with alanine, which is neutral and non-polar, at codon 808 of the COL11A2 protein (p.Gly808Ala). This variant is not present in population databases (gnomAD no frequency). This variant has not been reported in the literature in individuals affected with COL11A2-related conditions. Advanced modeling of protein sequence and biophysical properties (such as structural, functional, and spatial information, amino acid conservation, physicochemical variation, residue mobility, and thermodynamic stability) performed at Invitae indicates that this missense variant is expected to disrupt COL11A2 protein function. In summary, the available evidence is currently insufficient to determine the role of this variant in disease. Therefore, it has been classified as a Variant of Uncertain Significance.

NM_080680.3(COL11A2):c.2423G>C (p.Gly808Ala)

Gene: COL11A2 (collagen type XI alpha 2 chain; minus strand). Cytogenetic location: 6p21.32.
Variant type: single nucleotide variant.
Coding change: c.2423G>C on transcript NM_080680.3 (MANE Select); coding-DNA position 2423, G replaced by C.
Protein change: p.Gly808Ala; replaces glycine 808 with alanine.
Molecular consequence: missense variant.
Genome position (GRCh38, 1-based): chr6:33,174,534, C>G on the plus strand (G>C on the coding strand, the complement: COL11A2 is on the minus strand). VCF-style: chr6-33174534-C-G. GRCh37 (hg19) VCF-style: chr6-33142311-C-G.
Other names: c.2102G>C, p.Gly701Ala (NM_080679.3); c.2165G>C, p.Gly722Ala (NM_080681.3); short protein forms G701A, G722A, G808A.
Identifiers: ClinVar variation 1464700 (VCV001464700.8), dbSNP rs121912948, ClinGen allele CA363644128.